The following is an entry in ClinVar:

ClinVar aggregate classification (germline): Uncertain significance (1 of 4 stars; one submission).

Allele frequency attached by ClinVar (database versions not stated): gnomAD 0.00001.
gnomAD v4.1: 1 of 1,602,636 alleles (0.000062%); highest among the groups gnomAD compares: Non-Finnish European, 0.000085%; no homozygotes.

Submission:

Labcorp Genetics (formerly Invitae), Labcorp
Classification: Uncertain significance. Last evaluated: 2025-07-15. Review status: criteria provided, single submitter. Criteria: Invitae Variant Classification Sherloc (09022015). Collection method: clinical testing. Allele origin: germline.
Comment: This sequence change replaces serine, which is neutral and polar, with threonine, which is neutral and polar, at codon 248 of the COL18A1 protein (p.Ser248Thr). This variant is not present in population databases (gnomAD no frequency). This variant has not been reported in the literature in individuals affected with COL18A1-related conditions. ClinVar contains an entry for this variant (Variation ID: 1976727). Experimental studies and prediction algorithms are not available or were not evaluated, and the functional significance of this variant is currently unknown. In summary, the available evidence is currently insufficient to determine the role of this variant in disease. Therefore, it has been classified as a Variant of Uncertain Significance.

NM_001379500.1(COL18A1):c.742T>A (p.Ser248Thr)

Gene: COL18A1 (collagen type XVIII alpha 1 chain; plus strand). Cytogenetic location: 21q22.3.
Variant type: single nucleotide variant.
Coding change: c.742T>A on transcript NM_001379500.1 (MANE Select); coding-DNA position 742, T replaced by A.
Protein change: p.Ser248Thr; replaces serine 248 with threonine.
Molecular consequence: missense variant.
Genome position (GRCh38, 1-based): chr21:45,475,479, T>A. VCF-style: chr21-45475479-T-A. GRCh37 (hg19) VCF-style: chr21-46895393-T-A.
Other names: c.1282T>A, p.Ser428Thr (NM_030582.4); c.1987T>A, p.Ser663Thr (NM_130444.3); short protein forms S248T, S428T, S663T.
Identifiers: ClinVar variation 1976727 (VCV001976727.5), dbSNP rs2035613726, ClinGen allele CA410513389.